The following is an entry in ClinVar:

NM_021930.6(RINT1):c.358T>C (p.Phe120Leu)

Gene: RINT1 (RAD50 interactor 1; plus strand). Cytogenetic location: 7q22.3.
Variant type: single nucleotide variant.
Coding change: c.358T>C on transcript NM_021930.6 (MANE Select); coding-DNA position 358, T replaced by C.
Protein change: p.Phe120Leu; replaces phenylalanine 120 with leucine.
Molecular consequence: missense variant. On other transcripts: 5 prime UTR variant (3), non-coding transcript variant (1).
Genome position (GRCh38, 1-based): chr7:105,542,492, T>C. VCF-style: chr7-105542492-T-C. GRCh37 (hg19) VCF-style: chr7-105182939-T-C.
Other names: c.124T>C, p.Phe42Leu (NM_001346599.2); c.-662T>C (NM_001346600.2); c.-565T>C (NM_001346601.2); c.-185T>C (NM_001346603.2); short protein forms F42L, F120L.
Identifiers: ClinVar variation 5028269 (VCV005028269.1).

ClinVar aggregate classification (germline): Uncertain significance (1 of 4 stars; one submission).

Submission:

Ambry Genetics
Classification: Uncertain significance. Last evaluated: 2026-06-28. Review status: criteria provided, single submitter. Criteria: Ambry Variant Classification Scheme 2023. Collection method: clinical testing. Allele origin: germline.
Comment: The p.F120L variant (also known as c.358T>C), located in coding exon 4 of the RINT1 gene, results from a T to C substitution at nucleotide position 358. The phenylalanine at codon 120 is replaced by leucine, an amino acid with highly similar properties. This amino acid position is conserved. In addition, this alteration is predicted to be tolerated by in silico analysis. Based on the available evidence, the clinical significance of this variant remains unclear.